The following is an entry in ClinVar:

NM_000352.6(ABCC8):c.4060G>A (p.Asp1354Asn)

Gene: ABCC8 (ATP binding cassette subfamily C member 8; minus strand). Cytogenetic location: 11p15.1.
Variant type: single nucleotide variant.
Coding change: c.4060G>A on transcript NM_000352.6 (MANE Select); coding-DNA position 4060, G replaced by A.
Protein change: p.Asp1354Asn; replaces aspartic acid 1354 with asparagine.
Molecular consequence: missense variant. On other transcripts: non-coding transcript variant (1).
Genome position (GRCh38, 1-based): chr11:17,396,975, C>T on the plus strand (G>A on the coding strand, the complement: ABCC8 is on the minus strand). VCF-style: chr11-17396975-C-T. GRCh37 (hg19) VCF-style: chr11-17418522-C-T.
Other names: c.4063G>A, p.Asp1355Asn (NM_001287174.3); c.4126G>A, p.Asp1376Asn (NM_001351295.2); c.4060G>A, p.Asp1354Asn (NM_001351296.2); c.4057G>A, p.Asp1353Asn (NM_001351297.2); c.4060G>A (NM_000352.4); short protein forms D1353N, D1354N, D1355N, D1376N.
Identifiers: ClinVar variation 1339207 (VCV001339207.4), dbSNP rs1199684247, ClinGen allele CA379790603.

ClinVar aggregate classification (germline): Uncertain significance. Review status: criteria provided, multiple submitters, no conflicts (2 of 4 stars). 3 submissions from 3 submitters: Uncertain significance (3). Last evaluated 2024-05-03.

Conditions:
Hyperinsulinemic hypoglycemia, familial, 1 (HHF1). Also called: Persistent hyperinsulinemic hypoglycemia of infancy; Persistent Hyperinsulinemia Hypoglycemia of Infancy; HYPERINSULINISM, FAMILIAL, WITH PANCREATIC NESIDIOBLASTOSIS; HYPOGLYCEMIA, HYPERINSULINEMIC, OF INFANCY; NESIDIOBLASTOSIS OF PANCREAS. Identifiers: Orphanet 276575, Orphanet 276598, MedGen C2931832, MONDO:0009734, OMIM 256450.
ABCC8-related disorder.
Leucine-induced hypoglycemia (LIH). Also called: LEUCINE-SENSITIVE HYPOGLYCEMIA OF INFANCY. Identifiers: MedGen C0271714, MONDO:0009415, OMIM 240800.
Type 2 diabetes mellitus. Also called: Type II diabetes mellitus. Identifiers: MedGen C0011860, MeSH D003924, MONDO:0005148, OMIM 125853, HP:0005978.
Diabetes mellitus, transient neonatal, 2 (TNDM2). Identifiers: Orphanet 99886, MedGen C1835887, MONDO:0012480, OMIM 610374. Disease mechanism: loss of function.
Diabetes mellitus, permanent neonatal 3. Also called: ABCC8-Related Permanent Neonatal Diabetes Mellitus. Identifiers: MedGen C5394303, MONDO:0030088, OMIM 618857.

Allele frequency attached by ClinVar (database versions not stated): gnomAD 0.00001; gnomAD exomes 0.00001.
gnomAD v4.1: 10 of 1,614,088 alleles (0.00062%); highest among the groups gnomAD compares: African/African-American, 0.0053%; no homozygotes.

Submissions (3):

Fulgent Genetics
Classification: Uncertain significance for Type 2 diabetes mellitus; Leucine-induced hypoglycemia; Hyperinsulinemic hypoglycemia, familial, 1; Diabetes mellitus, transient neonatal, 2; Diabetes mellitus, permanent neonatal 3. Last evaluated: 2024-05-03. Review status: criteria provided, single submitter. Criteria: ACMG Guidelines, 2015. Collection method: clinical testing. Allele origin: germline.

PreventionGenetics, part of Exact Sciences
Classification: Uncertain significance for ABCC8-related condition. Last evaluated: 2023-03-08. Review status: criteria provided, single submitter. Criteria: ACMG Guidelines, 2015. Collection method: clinical testing. Allele origin: germline.
Comment: The ABCC8 c.4060G>A variant is predicted to result in the amino acid substitution p.Asp1354Asn. To our knowledge, this variant has not been reported in the literature. This variant is reported in 0.011% of alleles in individuals of African descent in gnomAD. At this time, the clinical significance of this variant is uncertain due to the absence of conclusive functional and genetic evidence.

Neuberg Centre For Genomic Medicine, NCGM
Classification: Uncertain significance for Hyperinsulinemic hypoglycemia, familial, 1. Review status: criteria provided, single submitter. Criteria: ACMG Guidelines, 2015. Collection method: clinical testing. Allele origin: germline. Affected: yes.
Comment: The missense variant p.D1354N in ABCC8 (NM_000352.6) has not been reported previously as a pathogenic variant nor as a benign variant, to our knowledge. The p.D1354N variant is novel (not in any individuals) in gnomAD Exomes and is novel (not in any individuals) in 1000 Genomes. There is a small physicochemical difference between aspartic acid and asparagine, which is not likely to impact secondary protein structure as these residues share similar properties. The p.D1354N missense variant is predicted to be damaging by both SIFT and PolyPhen2. The aspartic acid residue at codon 1354 of ABCC8 is conserved in all mammalian species. The nucleotide c.4060 in ABCC8 is predicted conserved by GERP++ and PhyloP across 100 vertebrates. For these reasons, this variant has been classified as Uncertain Significance.